The following is an entry in ClinVar:

NM_000135.4(FANCA):c.2979A>T (p.Gln993His)

Gene: FANCA (FA complementation group A; minus strand). Cytogenetic location: 16q24.3.
Variant type: single nucleotide variant.
Coding change: c.2979A>T on transcript NM_000135.4 (MANE Select); coding-DNA position 2979, A replaced by T.
Protein change: p.Gln993His; replaces glutamine 993 with histidine.
Molecular consequence: missense variant.
Genome position (GRCh38, 1-based): chr16:89,758,579, T>A on the plus strand (A>T on the coding strand, the complement: FANCA is on the minus strand). VCF-style: chr16-89758579-T-A. GRCh37 (hg19) VCF-style: chr16-89824987-T-A.
Other names: c.2979A>T, p.Gln993His (NM_001286167.3); short protein forms Q993H.
Identifiers: ClinVar variation 4254162 (VCV004254162.1).

ClinVar aggregate classification (germline): Uncertain significance (1 of 4 stars; one submission).

Conditions:
Inborn genetic diseases. Identifiers: MedGen C0950123, MeSH D030342.

gnomAD v4.1: 1 of 1,613,526 alleles (0.000062%); highest among the groups gnomAD compares: Non-Finnish European, 0.000085%; no homozygotes.

Submission:

Ambry Genetics
Classification: Uncertain significance for Inborn genetic diseases. Last evaluated: 2025-06-27. Review status: criteria provided, single submitter. Criteria: Ambry Variant Classification Scheme 2023. Collection method: clinical testing. Allele origin: germline.
Comment: The p.Q993H variant (also known as c.2979A>T), located in coding exon 30 of the FANCA gene, results from an A to T substitution at nucleotide position 2979. The glutamine at codon 993 is replaced by histidine, an amino acid with highly similar properties. This amino acid position is conserved. In addition, this alteration is predicted to be tolerated by in silico analysis. Based on the available evidence, the clinical significance of this variant remains unclear.